The following is an entry in ClinVar:

ClinVar aggregate classification (germline): Uncertain significance. Review status: criteria provided, multiple submitters, no conflicts (2 of 4 stars). 2 submissions from 2 submitters: Uncertain significance (2). Last evaluated 2025-08-31.

Conditions:
Inborn genetic diseases. Identifiers: MedGen C0950123, MeSH D030342.

Allele frequency attached by ClinVar (database versions not stated): gnomAD exomes 0.00001; TOPMed 0.00002; ESP Exome Variant Server 0.00008; 1000 Genomes Project 30x 0.00016; 1000 Genomes Project 0.00020.
gnomAD v4.1: 12 of 1,611,630 alleles (0.00074%); highest among the groups gnomAD compares: African/African-American, 0.013%; no homozygotes.

Submissions (2):

Ambry Genetics
Classification: Uncertain significance for Inborn genetic diseases. Last evaluated: 2025-08-31. Review status: criteria provided, single submitter. Criteria: Ambry Variant Classification Scheme 2023. Collection method: clinical testing. Allele origin: germline.

Labcorp Genetics (formerly Invitae), Labcorp
Classification: Uncertain significance. Last evaluated: 2024-02-11. Review status: criteria provided, single submitter. Criteria: Invitae Variant Classification Sherloc (09022015). Collection method: clinical testing. Allele origin: germline.
Comment: This sequence change replaces proline, which is neutral and non-polar, with leucine, which is neutral and non-polar, at codon 331 of the COL11A1 protein (p.Pro331Leu). This variant is present in population databases (rs148978696, gnomAD 0.01%). This variant has not been reported in the literature in individuals affected with COL11A1-related conditions. ClinVar contains an entry for this variant (Variation ID: 1493986). An algorithm developed to predict the effect of missense changes on protein structure and function (PolyPhen-2) suggests that this variant is likely to be tolerated. In summary, the available evidence is currently insufficient to determine the role of this variant in disease. Therefore, it has been classified as a Variant of Uncertain Significance.

NM_001854.4(COL11A1):c.992C>T (p.Pro331Leu)

Gene: COL11A1 (collagen type XI alpha 1 chain; minus strand). Cytogenetic location: 1p21.1.
Variant type: single nucleotide variant.
Coding change: c.992C>T on transcript NM_001854.4 (MANE Select); coding-DNA position 992, C replaced by T.
Protein change: p.Pro331Leu; replaces proline 331 with leucine.
Molecular consequence: missense variant. On other transcripts: non-coding transcript variant (1), intron variant (1).
Genome position (GRCh38, 1-based): chr1:103,022,995, G>A on the plus strand (C>T on the coding strand, the complement: COL11A1 is on the minus strand). VCF-style: chr1-103022995-G-A. GRCh37 (hg19) VCF-style: chr1-103488551-G-A.
Other names: c.875C>T, p.Pro292Leu (NM_001190709.2); c.1028C>T, p.Pro343Leu (NM_080629.3); c.898-1226C>T (NM_080630.4); c.992C>T (NM_001854.3); short protein forms P331L, P343L, P292L.
Identifiers: ClinVar variation 1493986 (VCV001493986.9), dbSNP rs148978696, ClinGen allele CA975142.
Genomic context (GRCh38, chr1:103,022,995, plus strand): 5'-TGGGAATCATAATCCTCTCCCGTTAGATATTCTTCAGTAAATATTTCTTCAACTGGATTT[G>A]GCTATTAATTTAAATTGCAAGGAATTGAGGAACATGAAGTTTATTGTTAGTAAAGCAAGG-3'
Protein context (NP_001845.3, residues 321-341): APRHVSGTNE[Pro331Leu]NPVEEIFTEE